The following is an entry in ClinVar:

ClinVar aggregate classification (germline): Uncertain significance (1 of 4 stars; one submission).

gnomAD v4.1: 1 of 1,614,080 alleles (0.000062%); highest among the groups gnomAD compares: Non-Finnish European, 0.000085%; no homozygotes.

Submission:

Labcorp Genetics (formerly Invitae), Labcorp
Classification: Uncertain significance. Last evaluated: 2025-09-01. Review status: criteria provided, single submitter. Criteria: Invitae Variant Classification Sherloc (09022015). Collection method: clinical testing. Allele origin: germline.
Comment: This sequence change replaces arginine, which is basic and polar, with serine, which is neutral and polar, at codon 764 of the VCAN protein (p.Arg764Ser). This variant is not present in population databases (gnomAD no frequency). This variant has not been reported in the literature in individuals affected with VCAN-related conditions. An algorithm developed to predict the effect of missense changes on protein structure and function (PolyPhen-2) suggests that this variant is likely to be tolerated. In summary, the available evidence is currently insufficient to determine the role of this variant in disease. Therefore, it has been classified as a Variant of Uncertain Significance.

NM_004385.5(VCAN):c.2292A>C (p.Arg764Ser)

Gene: VCAN (versican; plus strand). Cytogenetic location: 5q14.3.
Variant type: single nucleotide variant.
Coding change: c.2292A>C on transcript NM_004385.5 (MANE Select); coding-DNA position 2292, A replaced by C.
Protein change: p.Arg764Ser; replaces arginine 764 with serine.
Molecular consequence: missense variant. On other transcripts: intron variant (2).
Genome position (GRCh38, 1-based): chr5:83,520,598, A>C. VCF-style: chr5-83520598-A-C. GRCh37 (hg19) VCF-style: chr5-82816417-A-C.
Other names: c.2292A>C, p.Arg764Ser (NM_001164098.2); c.1042+8202A>C (NM_001164097.2, NM_001126336.3); short protein forms R764S.
Identifiers: ClinVar variation 4724242 (VCV004724242.1).